The following is an entry in ClinVar:

NM_001278512.2(AP3B2):c.674_675del (p.Leu224_Cys225insTer)

Genes: AP3B2 (adaptor related protein complex 3 subunit beta 2; minus strand), CPEB1-AS1 (CPEB1 antisense RNA 1; plus strand). Cytogenetic location: 15q25.2.
Variant type: Deletion.
Coding change: c.674_675del on transcript NM_001278512.2 (MANE Select); coding-DNA positions 674 to 675, 2 bases deleted (GT; older notation c.674_675delGT).
Protein change: p.Leu224_Cys225insTer.
Molecular consequence: nonsense.
Genome position (GRCh38, 1-based): chr15:82,680,933-82,680,934, AC deleted on the plus strand (GT on the coding strand, the reverse complement: AP3B2 is on the minus strand); deleting any 2 consecutive bases within chr15:82,680,933-82,680,935 gives the same sequence; the c. name uses the placement nearest the transcript's 3' end. VCF-style (leftmost placement, unchanged base first): chr15-82680932-TAC-T. GRCh37 (hg19) VCF-style: chr15-83349684-TAC-T.
Other names: c.578_579del, p.Leu192_Cys193insTer (NM_001278511.2); c.674_675del, p.Leu224_Cys225insTer (NM_004644.5).
Identifiers: ClinVar variation 800531 (VCV000800531.1), dbSNP rs1481189891, ClinGen allele CA619409120.
Genomic context (GRCh38, chr15:82,680,932, plus strand): 5'-AGCGGGTGAGCATGCTGATGATGACCACCTGGCCCCACTCCTCCACGTCGATCAGCAGGT[TAC>T]AGAGTTTCCGGTAGTTTTTGTGAATCAGGTCGATGCGCTCCGGGCAGACCTCCTCAAAGG-3'

ClinVar aggregate classification (germline): Likely pathogenic (1 of 4 stars; one submission).

Conditions:
Developmental and epileptic encephalopathy, 48 (DEE48). Also called: Epileptic encephalopathy, early infantile, 48. Identifiers: MedGen C4310637, MONDO:0015000, OMIM 617276.

Submission:

Broad Center for Mendelian Genomics, Broad Institute of MIT and Harvard
Classification: Likely pathogenic for Developmental and epileptic encephalopathy, 48. Last evaluated: 2018-11-15. Review status: criteria provided, single submitter. Criteria: ACMG Guidelines, 2015. Collection method: research. Allele origin: germline. Inheritance: Autosomal recessive inheritance. Affected: yes.
Comment: This variant has been identified in <0.01% (1/33582) of Latino chromosomes by the Genome Aggregation Database (gnomAD). Although this variant has been seen in the general population, its frequency is low enough to be consistent with a recessive carrier frequency. Loss of function of the AP3B2 gene is an established disease mechanism in autosomal recessive Epileptic Encephalopathy, and this is a loss of function variant. In summary, although additional studies are required to fully establish its clinical significance, this variant is likely pathogenic.